The following is an entry in ClinVar:

ClinVar aggregate classification (germline): Likely pathogenic (1 of 4 stars; one submission).

Submission:

GeneDx
Classification: Likely pathogenic. Last evaluated: 2016-01-25. Review status: criteria provided, single submitter. Criteria: GeneDx Variant Classification (06012015). Collection method: clinical testing. Allele origin: germline. Affected: yes.
Comment: The c.3410_3413delGAA variant has not been published as a pathogenic variant, nor has it been reported as a benign variant to our knowledge. The c.3410_3413delGAA variant causes a frameshift starting with Glycine 1137, changes this amino acid to a Glutamic acid residue and creates a premature Stop codon at position 35 of the new reading frame, denoted p.Gly1137GlufsX35. This variant is predicted to cause loss of normal protein function either through protein truncation or nonsense-mediated mRNA decay. It was not observed in approximately 6,500 individuals of European and African American ancestry in the NHLBI Exome Sequencing Project, indicating it is not a common benign variant in these populations. Therefore, this variant is likely pathogenic; however, the possibility that it is benign cannot be excluded.

NM_133433.4(NIPBL):c.3410_3413del (p.Gly1137fs)

Gene: NIPBL (NIPBL cohesin loading factor; plus strand). Cytogenetic location: 5p13.2.
Variant type: Microsatellite.
Coding change: c.3410_3413del on transcript NM_133433.4 (MANE Select); coding-DNA positions 3410 to 3413, 4 bases deleted (GAAG; older notation c.3410_3413delGAAG).
Protein change: p.Gly1137fs; shifts the reading frame from glycine 1137.
Molecular consequence: frameshift variant.
Genome position (GRCh38, 1-based): chr5:37,000,478-37,000,481, GAAG deleted; deleting any 4 consecutive bases within chr5:37,000,474-37,000,481 gives the same sequence; the c. name uses the placement nearest the transcript's 3' end. VCF-style (leftmost placement, unchanged base first): chr5-37000473-TGAAG-T. GRCh37 (hg19) VCF-style: chr5-37000575-TGAAG-T.
Other names: c.3410_3413del, p.Gly1137fs (NM_015384.5); short protein forms G1137fs.
Identifiers: ClinVar variation 372888 (VCV000372888.1), dbSNP rs1057518050, ClinGen allele CA16042526.